The following is an entry in ClinVar:

NM_001267550.2(TTN):c.78507del (p.Gly26170fs)

Genes: TTN (titin; minus strand), TTN-AS1 (TTN antisense RNA 1; plus strand). Cytogenetic location: 2q31.2.
Variant type: Deletion.
Coding change: c.78507del on transcript NM_001267550.2 (MANE Select); coding-DNA position 78507, one base deleted (T; older notation c.78507delT).
Protein change: p.Gly26170fs; shifts the reading frame from glycine 26170.
Molecular consequence: frameshift variant.
Genome position (GRCh38, 1-based): chr2:178,567,625, A deleted on the plus strand (T on the coding strand, the reverse complement: TTN is on the minus strand). VCF-style (leftmost placement, unchanged base first): chr2-178567624-CA-C. GRCh37 (hg19) VCF-style: chr2-179432351-CA-C.
Other names: c.73584del, p.Gly24529fs (NM_001256850.1); c.51312del, p.Gly17105fs (NM_003319.4); c.70803del, p.Gly23602fs (NM_133378.4); c.51687del, p.Gly17230fs (NM_133432.3); c.51888del, p.Gly17297fs (NM_133437.4); c.78507delT (LRG_391t1); short protein forms G17230fs, G17297fs, G17105fs, G24529fs, G23602fs, G26170fs.
Identifiers: ClinVar variation 223292 (VCV000223292.1), dbSNP rs869312058, ClinGen allele CA353089.

ClinVar aggregate classification (germline): Likely pathogenic (1 of 4 stars; one submission).

Conditions:
Primary dilated cardiomyopathy (DCM). Also called: Dilated Cardiomyopathy. Identifiers: Orphanet 217604, MedGen C0007193, MeSH D002311, MONDO:0005021, HP:0001644. Inheritance: Various modes of inheritance.

Submission:

Cardiovascular Biomedical Research Unit, Royal Brompton & Harefield NHS Foundation Trust
Classification: Likely pathogenic for Primary dilated cardiomyopathy. Last evaluated: 2014-10-08. Review status: criteria provided, single submitter. Criteria: Roberts et al. 2015. Collection method: research. Allele origin: germline. Inheritance: Autosomal dominant inheritance. Affected: yes. Observed: 1 variant allele. Study: Unselected DCM.
Comment: In the seven cohorts assessed, TTNtv were found in 14% of ambulant DCM, 22% end-stage or familial DCM, and 2% controls. Heterozygous nonsense, frameshift and canonical splice-disrupting variants found in constitutive and other highly utilised exons are highly likely to be pathogenic when identified in individuals with phenotypically confirmed DCM. TTNtv found incidentally in healthy individuals (excluding familial assessment of DCM relatives) are thought to have low penetrance, particularly when identified in exons that are not constitutively expressed in the heart.